The following is an entry in ClinVar:

NC_000013.11:g.76992033C>T

Gene: CLN5 (CLN5 lysosomal BMP synthase; plus strand). Cytogenetic location: 13q22.3.
Variant type: single nucleotide variant.
Molecular consequence: missense variant (on NM_006493.2).
Genome position: GRCh38 VCF-style: chr13-76992033-C-T. GRCh37 (hg19) VCF-style: chr13-77566168-C-T.
Other names: c.82C>T, p.Pro28Ser (NM_006493.2); short protein forms P28S.
Identifiers: ClinVar variation 2176209 (VCV002176209.1), dbSNP rs2501122989, ClinGen allele CA388305914.

ClinVar aggregate classification (germline): Uncertain significance (1 of 4 stars; one submission).

Conditions:
Neuronal ceroid lipofuscinosis. Also called: Neuronal Ceroid Lipofuscinoses. Identifiers: Orphanet 216, Orphanet 79263, MedGen C0027877, MONDO:0016295. Disease mechanism: loss of function.

Submission:

Labcorp Genetics (formerly Invitae), Labcorp
Classification: Uncertain significance for Neuronal ceroid lipofuscinosis. Last evaluated: 2022-04-16. Review status: criteria provided, single submitter. Criteria: Invitae Variant Classification Sherloc (09022015). Collection method: clinical testing. Allele origin: germline.
Comment: This sequence change replaces proline, which is neutral and non-polar, with serine, which is neutral and polar, at codon 28 of the CLN5 protein (p.Pro28Ser). This variant is not present in population databases (gnomAD no frequency). This variant has not been reported in the literature in individuals affected with CLN5-related conditions. Algorithms developed to predict the effect of missense changes on protein structure and function are either unavailable or do not agree on the potential impact of this missense change (SIFT: "Deleterious"; PolyPhen-2: "Possibly Damaging"; Align-GVGD: "Class C0"). In summary, the available evidence is currently insufficient to determine the role of this variant in disease. Therefore, it has been classified as a Variant of Uncertain Significance.